The following is an entry in ClinVar:

NM_001281740.3(FHOD3):c.1859C>T (p.Thr620Ile)

Gene: FHOD3 (formin homology 2 domain containing 3; plus strand). Cytogenetic location: 18q12.2.
Variant type: single nucleotide variant.
Coding change: c.1859C>T on transcript NM_001281740.3 (MANE Select); coding-DNA position 1859, C replaced by T.
Protein change: p.Thr620Ile; replaces threonine 620 with isoleucine.
Molecular consequence: missense variant.
Genome position (GRCh38, 1-based): chr18:36,681,459, C>T. VCF-style: chr18-36681459-C-T. GRCh37 (hg19) VCF-style: chr18-34261422-C-T.
Other names: c.1334C>T, p.Thr445Ile (NM_001281739.3, NM_025135.5); short protein forms T445I, T620I.
Identifiers: ClinVar variation 4989903 (VCV004989903.1).
Genomic context (GRCh38, chr18:36,681,459, plus strand): 5'-GCCAAGCAACTGAAACATTAACTCATTGTATCTCCAGGTCATCACCGAGTGGTCTTCTCA[C>T]ATCATCCTTCAGGCAGCACCAAGAGTCACTGGCAGCAGAGAGAGAGAGGCGGCGGCAGGA-3'
Protein context (NP_001268669.1, residues 610-630): LERSSPSGLL[Thr620Ile]SSFRQHQESL

ClinVar aggregate classification (germline): Uncertain significance (1 of 4 stars; one submission).

Conditions:
FHOD3-related disorder. Also called: FHOD3-related condition.

gnomAD v4.1: 2 of 1,613,930 alleles (0.00012%); highest among the groups gnomAD compares: Non-Finnish European, 0.00017%; no homozygotes.

Submission:

PreventionGenetics, part of Exact Sciences
Classification: Uncertain significance for FHOD3-related condition. Last evaluated: 2026-04-02. Review status: criteria provided, single submitter. Criteria: ACMG Guidelines, 2015. Collection method: clinical testing. Allele origin: germline.
Comment: The FHOD3 c.1859C>T variant is predicted to result in the amino acid substitution p.Thr620Ile. To our knowledge, this variant has not been reported in the literature or in a large population database (gnomAD), indicating this variant is rare. At this time, the clinical significance of this variant is uncertain due to the absence of conclusive functional and genetic evidence.